The following is an entry in ClinVar:

ClinVar aggregate classification (germline): Uncertain significance (1 of 4 stars; one submission).

Allele frequency attached by ClinVar (database versions not stated): gnomAD 0.00001; ExAC 0.00002; TOPMed below 0.00001.
gnomAD v4.1: 14 of 1,603,840 alleles (0.00087%); highest among the groups gnomAD compares: South Asian, 0.0011%; no homozygotes.

Submission:

Labcorp Genetics (formerly Invitae), Labcorp
Classification: Uncertain significance. Last evaluated: 2023-03-10. Review status: criteria provided, single submitter. Criteria: Invitae Variant Classification Sherloc (09022015). Collection method: clinical testing. Allele origin: germline.
Comment: This sequence change replaces aspartic acid, which is acidic and polar, with asparagine, which is neutral and polar, at codon 429 of the XPO5 protein (p.Asp429Asn). The frequency data for this variant in the population databases is considered unreliable, as metrics indicate poor data quality at this position in the gnomAD database. This variant has not been reported in the literature in individuals affected with XPO5-related conditions. An algorithm developed to predict the effect of missense changes on protein structure and function (PolyPhen-2) suggests that this variant is likely to be disruptive. In summary, the available evidence is currently insufficient to determine the role of this variant in disease. Therefore, it has been classified as a Variant of Uncertain Significance.

NM_020750.3(XPO5):c.1285G>A (p.Asp429Asn)

Genes: POLR1C (RNA polymerase I and III subunit C; plus strand), XPO5 (exportin 5; minus strand). Cytogenetic location: 6p21.1.
Variant type: single nucleotide variant.
Coding change: c.1285G>A on transcript NM_020750.3 (MANE Select); coding-DNA position 1285, G replaced by A.
Protein change: p.Asp429Asn; replaces aspartic acid 429 with asparagine.
Molecular consequence: missense variant. On other transcripts: non-coding transcript variant (1), intron variant (1).
Genome position (GRCh38, 1-based): chr6:43,558,528, C>T on the plus strand (G>A on the coding strand, the complement: XPO5 is on the minus strand). VCF-style: chr6-43558528-C-T. GRCh37 (hg19) VCF-style: chr6-43526265-C-T.
Other names: c.*43-2872C>T (NM_001363658.2); short protein forms D429N.
Identifiers: ClinVar variation 2795814 (VCV002795814.3), dbSNP rs754531009, ClinGen allele CA3826466.
Genomic context (GRCh38, chr6:43,558,528, plus strand): 5'-TGTTGAGAGAAATCCAAGGCCAACATCACTTACAGTTGAAGAAAGCATTGAAGTCCTCAT[C>T]GCTATCAAAATCAAACCGAGAATATTCACAGCTAGGGCTGTCTGTTTTAGAAGGAAAGCC-3'
Protein context (NP_065801.1, residues 419-439): CEYSRFDFDS[Asp429Asn]EDFNAFFNSS